The following is an entry in ClinVar:

NM_017837.4(PIGV):c.997C>T (p.Pro333Ser)

Gene: PIGV (phosphatidylinositol glycan anchor biosynthesis class V; plus strand). Cytogenetic location: 1p36.11.
Variant type: single nucleotide variant.
Coding change: c.997C>T on transcript NM_017837.4 (MANE Select); coding-DNA position 997, C replaced by T.
Protein change: p.Pro333Ser; replaces proline 333 with serine.
Molecular consequence: missense variant. On other transcripts: non-coding transcript variant (1), intron variant (1).
Genome position (GRCh38, 1-based): chr1:26,795,031, C>T. VCF-style: chr1-26795031-C-T. GRCh37 (hg19) VCF-style: chr1-27121522-C-T.
Other names: c.997C>T (NM_017837.3); c.997C>T, p.Pro333Ser (NM_001202554.2, NM_001374478.1, NM_001374480.1 and 2 more transcripts); c.616C>T, p.Pro206Ser (NM_001374483.1); c.370C>T, p.Pro124Ser (NM_001374484.1, NM_001374485.1); c.79-2532C>T (NM_001374486.1); short protein forms P206S, P124S, P333S.
Identifiers: ClinVar variation 1489304 (VCV001489304.7), dbSNP rs1359389792, ClinGen allele CA339201381.

ClinVar aggregate classification (germline): Uncertain significance. Review status: criteria provided, multiple submitters, no conflicts (2 of 4 stars). 2 submissions from 2 submitters: Uncertain significance (2). Last evaluated 2026-04-18.

Allele frequency attached by ClinVar (database versions not stated): TOPMed 0.00001; gnomAD 0.00002; gnomAD exomes 0.00001.
gnomAD v4.1: 15 of 1,614,062 alleles (0.00093%); highest among the groups gnomAD compares: Non-Finnish European, 0.0013%; no homozygotes.

Submissions (2):

GeneDx
Classification: Uncertain significance. Last evaluated: 2026-04-18. Review status: criteria provided, single submitter. Criteria: GeneDx Variant Classification Process June 2021. Collection method: clinical testing. Allele origin: germline.
Comment: Not observed at significant frequency in large population cohorts (gnomAD); In silico analysis supports that this missense variant has a deleterious effect on protein structure/function; Has not been previously published as pathogenic or benign to our knowledge

Labcorp Genetics (formerly Invitae), Labcorp
Classification: Uncertain significance. Last evaluated: 2022-08-13. Review status: criteria provided, single submitter. Criteria: Invitae Variant Classification Sherloc (09022015). Collection method: clinical testing. Allele origin: germline.
Comment: This sequence change replaces proline, which is neutral and non-polar, with serine, which is neutral and polar, at codon 333 of the PIGV protein (p.Pro333Ser). In summary, the available evidence is currently insufficient to determine the role of this variant in disease. Therefore, it has been classified as a Variant of Uncertain Significance. Algorithms developed to predict the effect of missense changes on protein structure and function (SIFT, PolyPhen-2, Align-GVGD) all suggest that this variant is likely to be disruptive. ClinVar contains an entry for this variant (Variation ID: 1489304). This variant has not been reported in the literature in individuals affected with PIGV-related conditions. This variant is not present in population databases (gnomAD no frequency).